The following is an entry in ClinVar:

ClinVar aggregate classification (germline): Uncertain significance. Review status: criteria provided, multiple submitters, no conflicts (2 of 4 stars). 2 submissions from 2 submitters: Uncertain significance (2). Last evaluated 2024-02-24.

Conditions:
Familial hypobetalipoproteinemia 1. Also called: APOB-Related Familial Hypobetalipoproteinemia; Hypobetalipoproteinemia, normotriglyceridemic; Acanthocytosis with hypobetalipoproteinemia. Identifiers: MedGen C4551990, MONDO:0014252, OMIM 615558.
Hypercholesterolemia, autosomal dominant, type B (FHCL2). Also called: Familial Hypercholesterolemia Type B; APOLIPOPROTEIN B-100, FAMILIAL DEFECTIVE; APOLIPOPROTEIN B-100, FAMILIAL LIGAND-DEFECTIVE; HYPERCHOLESTEROLEMIA, FAMILIAL, DUE TO LIGAND-DEFECTIVE APOLIPOPROTEIN B; Familial hypercholesterolemia 2; Hyperlipoproteinemia Type IIb. Identifiers: MedGen C1704417, MONDO:0007751, OMIM 144010.

Allele frequency attached by ClinVar (database versions not stated): gnomAD exomes below 0.00001.
gnomAD v4.1: 5 of 1,612,338 alleles (0.00031%); highest among the groups gnomAD compares: Non-Finnish European, 0.00034%; no homozygotes.

Submissions (2):

Labcorp Genetics (formerly Invitae), Labcorp
Classification: Uncertain significance for Familial hypobetalipoproteinemia 1; Hypercholesterolemia, autosomal dominant, type B. Last evaluated: 2024-02-24. Review status: criteria provided, single submitter. Criteria: Invitae Variant Classification Sherloc (09022015). Collection method: clinical testing. Allele origin: germline.
Comment: This sequence change replaces proline, which is neutral and non-polar, with serine, which is neutral and polar, at codon 85 of the APOB protein (p.Pro85Ser). This variant is not present in population databases (gnomAD no frequency). This variant has not been reported in the literature in individuals affected with APOB-related conditions. ClinVar contains an entry for this variant (Variation ID: 1490066). Advanced modeling of protein sequence and biophysical properties (such as structural, functional, and spatial information, amino acid conservation, physicochemical variation, residue mobility, and thermodynamic stability) performed at Invitae indicates that this missense variant is not expected to disrupt APOB protein function with a negative predictive value of 95%. In summary, the available evidence is currently insufficient to determine the role of this variant in disease. Therefore, it has been classified as a Variant of Uncertain Significance.

GeneDx
Classification: Uncertain significance. Last evaluated: 2022-08-22. Review status: criteria provided, single submitter. Criteria: GeneDx Variant Classification Process June 2021. Collection method: clinical testing. Allele origin: germline. Affected: yes.
Comment: Has not been previously published as pathogenic or benign to our knowledge; Not observed at significant frequency in large population cohorts (gnomAD); In silico analysis supports that this missense variant has a deleterious effect on protein structure/function

NM_000384.3(APOB):c.253C>T (p.Pro85Ser)

Gene: APOB (apolipoprotein B; minus strand). Cytogenetic location: 2p24.1.
Variant type: single nucleotide variant.
Coding change: c.253C>T on transcript NM_000384.3 (MANE Select); coding-DNA position 253, C replaced by T.
Protein change: p.Pro85Ser; replaces proline 85 with serine.
Molecular consequence: missense variant.
Genome position (GRCh38, 1-based): chr2:21,041,068, G>A on the plus strand (C>T on the coding strand, the complement: APOB is on the minus strand). VCF-style: chr2-21041068-G-A. GRCh37 (hg19) VCF-style: chr2-21263940-G-A.
Other names: c.253C>T (NM_000384.2); short protein forms P85S.
Identifiers: ClinVar variation 1490066 (VCV001490066.8), dbSNP rs1664121265, ClinGen allele CA345964350.